The following is an entry in ClinVar:

NM_003718.5(CDK13):c.1241C>T (p.Pro414Leu)

Gene: CDK13 (cyclin dependent kinase 13; plus strand). Cytogenetic location: 7p14.1.
Variant type: single nucleotide variant.
Coding change: c.1241C>T on transcript NM_003718.5 (MANE Select); coding-DNA position 1241, C replaced by T.
Protein change: p.Pro414Leu; replaces proline 414 with leucine.
Molecular consequence: missense variant.
Genome position (GRCh38, 1-based): chr7:39,987,628, C>T. VCF-style: chr7-39987628-C-T. GRCh37 (hg19) VCF-style: chr7-40027227-C-T.
Other names: c.1241C>T, p.Pro414Leu (NM_031267.4); short protein forms P414L.
Identifiers: ClinVar variation 2874386 (VCV002874386.4), dbSNP rs781568114, ClinGen allele CA157246214.

ClinVar aggregate classification (germline): Uncertain significance. Review status: criteria provided, multiple submitters, no conflicts (2 of 4 stars). 3 submissions from 3 submitters: Uncertain significance (3). Last evaluated 2025-05-20.

Conditions:
Inborn genetic diseases. Identifiers: MedGen C0950123, MeSH D030342.
CDK13-related disorder. Also called: CDK13-related condition. Identifiers: MedGen C5816700.

Allele frequency attached by ClinVar (database versions not stated): gnomAD 0.00001; gnomAD exomes 0.00001; TOPMed 0.00001.
gnomAD v4.1: 9 of 1,603,610 alleles (0.00056%); highest among the groups gnomAD compares: South Asian, 0.0011%; no homozygotes.

Submissions (3):

Ambry Genetics
Classification: Uncertain significance for Inborn genetic diseases. Last evaluated: 2025-05-20. Review status: criteria provided, single submitter. Criteria: Ambry Variant Classification Scheme 2023. Collection method: clinical testing. Allele origin: germline.

PreventionGenetics, part of Exact Sciences
Classification: Uncertain significance for CDK13-related condition. Last evaluated: 2025-03-09. Review status: criteria provided, single submitter. Criteria: ACMG Guidelines, 2015. Collection method: clinical testing. Allele origin: germline.
Comment: The CDK13 c.1241C>T variant is predicted to result in the amino acid substitution p.Pro414Leu. To our knowledge, this variant has not been reported in the literature or in a large population database (gnomAD), indicating this variant is rare. At this time, the clinical significance of this variant is uncertain due to the absence of conclusive functional and genetic evidence.

Labcorp Genetics (formerly Invitae), Labcorp
Classification: Uncertain significance. Last evaluated: 2023-04-27. Review status: criteria provided, single submitter. Criteria: Invitae Variant Classification Sherloc (09022015). Collection method: clinical testing. Allele origin: germline.
Comment: This sequence change replaces proline, which is neutral and non-polar, with leucine, which is neutral and non-polar, at codon 414 of the CDK13 protein (p.Pro414Leu). This variant is not present in population databases (gnomAD no frequency). This variant has not been reported in the literature in individuals affected with CDK13-related conditions. Advanced modeling of protein sequence and biophysical properties (such as structural, functional, and spatial information, amino acid conservation, physicochemical variation, residue mobility, and thermodynamic stability) performed at Invitae indicates that this missense variant is expected to disrupt CDK13 protein function. In summary, the available evidence is currently insufficient to determine the role of this variant in disease. Therefore, it has been classified as a Variant of Uncertain Significance.